The following is an entry in ClinVar:

ClinVar aggregate classification (germline): Uncertain significance (1 of 4 stars; one submission).

Conditions:
Developmental and epileptic encephalopathy, 24 (DEE24). Also called: Epileptic encephalopathy, early infantile, 24. Identifiers: Orphanet 442835, MedGen C4014531, MONDO:0014377, OMIM 615871.

Allele frequency attached by ClinVar (database versions not stated): gnomAD exomes 0.00001.
gnomAD v4.1: 4 of 1,612,618 alleles (0.00025%); highest among the groups gnomAD compares: South Asian, 0.0044%; no homozygotes.

Submission:

Neuberg Centre For Genomic Medicine, NCGM
Classification: Uncertain significance for Developmental and epileptic encephalopathy, 24. Review status: criteria provided, single submitter. Criteria: ACMG Guidelines, 2015. Collection method: clinical testing. Allele origin: germline. Inheritance: Autosomal dominant inheritance. Affected: yes.
Comment: The missense variant c.2230C>Tp.Pro744Ser in HCN1 gene has not been reported previously as a pathogenic variant nor as a benign variant, to our knowledge. The variant is reported with 0.0004% allele frequency in gnomAD Exomes and is novel not in any individuals in 1000 Genomes. The amino acid Proline at position 744 is changed to a Serine changing protein sequence and it might alter its composition and physico-chemical properties. The amino acid change p.Pro744Ser in HCN1 is predicted as conserved by GERP++ and PhyloP across 100 vertebrates. For these reasons, this variant has been classified as Uncertain Significance.

NM_021072.4(HCN1):c.2230C>T (p.Pro744Ser)

Gene: HCN1 (hyperpolarization activated cyclic nucleotide gated potassium channel 1; minus strand). Cytogenetic location: 5p12.
Variant type: single nucleotide variant.
Coding change: c.2230C>T on transcript NM_021072.4 (MANE Select); coding-DNA position 2230, C replaced by T.
Protein change: p.Pro744Ser; replaces proline 744 with serine.
Molecular consequence: missense variant.
Genome position (GRCh38, 1-based): chr5:45,262,364, G>A on the plus strand (C>T on the coding strand, the complement: HCN1 is on the minus strand). VCF-style: chr5-45262364-G-A. GRCh37 (hg19) VCF-style: chr5-45262466-G-A.
Other names: short protein forms P744S.
Identifiers: ClinVar variation 3234981 (VCV003234981.1), dbSNP rs1466817263, ClinGen allele CA359703772.